The following is an entry in ClinVar:

NM_178138.6(LHX3):c.629C>T (p.Ala210Val)

Gene: LHX3 (LIM homeobox 3; minus strand). Cytogenetic location: 9q34.3.
Variant type: single nucleotide variant.
Coding change: c.629C>T on transcript NM_178138.6 (MANE Select); coding-DNA position 629, C replaced by T.
Protein change: p.Ala210Val; replaces alanine 210 with valine.
Molecular consequence: missense variant.
Genome position (GRCh38, 1-based): chr9:136,198,798, G>A on the plus strand (C>T on the coding strand, the complement: LHX3 is on the minus strand). VCF-style: chr9-136198798-G-A. GRCh37 (hg19) VCF-style: chr9-139090644-G-A.
Other names: c.596C>T, p.Ala199Val (NM_001363746.1); c.644C>T, p.Ala215Val (NM_014564.5); short protein forms A210V, A199V, A215V.
Identifiers: ClinVar variation 9024 (VCV000009024.2), dbSNP rs137854503, ClinGen allele CA250570.

ClinVar aggregate classification (germline): Likely pathogenic. Review status: criteria provided, single submitter (1 of 4 stars). 2 submissions from 2 submitters: Likely pathogenic (1). 1 of the submissions does not count toward it. Last evaluated 2024-12-27.

Conditions:
Combined pituitary hormone deficiencies, genetic form. Also called: Pituitary hormone deficiency, combined. Identifiers: Orphanet 95494, MedGen C4273747, MONDO:0013099.
Non-acquired combined pituitary hormone deficiency with spine abnormalities (CPHD3). Also called: Winkelman Bethge Pfeiffer syndrome; WBP syndrome; Combined pituitary hormone deficiency type 3. Identifiers: Orphanet 231720, MedGen C3489787, MONDO:0009091, OMIM 221750.

Allele frequency attached by ClinVar (database versions not stated): TOPMed below 0.00001.

Submissions (2):

Women's Health and Genetics/Laboratory Corporation of America, LabCorp
Classification: Likely pathogenic for Combined pituitary hormone deficiencies, genetic form. Last evaluated: 2024-12-27. Review status: criteria provided, single submitter. Criteria: LabCorp Variant Classification Summary - May 2015. Collection method: clinical testing. Allele origin: germline.
Comment: Variant summary: LHX3 c.644C>T (p.Ala215Val) results in a non-conservative amino acid change located in the Homeodomain (IPR001356) of the encoded protein sequence. Five of five in-silico tools predict a damaging effect of the variant on protein function. The variant was absent in 240006 control chromosomes (gnomAD). c.644C>T has been reported in the literature in two siblings affected with Combined Pituitary Hormone Deficiency and this variant segregated with the disease (Pfaeffle_2007, Rajab_2008). These data indicate that the variant is likely to be associated with disease. At least one publication reports experimental evidence evaluating an impact on protein function and this variant affected protein function (Pfaeffle_2007). The following publications have been ascertained in the context of this evaluation (PMID: 30266296, 17327381, 18407919, 33729509). ClinVar contains an entry for this variant (Variation ID: 9024). Based on the evidence outlined above, the variant was classified as likely pathogenic.

OMIM
Classification: Pathogenic for PITUITARY HORMONE DEFICIENCY, COMBINED, 3. Last evaluated: 2007-05-01. Review status: no assertion criteria provided. Collection method: literature only. Allele origin: germline. Not counted in ClinVar's aggregate classification.

Literature cited by the submitters: PubMed 30266296 (cited by Women's Health and Genetics/Laboratory Corporation of America, LabCorp); PubMed 33729509 (cited by Women's Health and Genetics/Laboratory Corporation of America, LabCorp); PubMed 17327381 (cited by Women's Health and Genetics/Laboratory Corporation of America, LabCorp and OMIM); PubMed 18407919 (cited by Women's Health and Genetics/Laboratory Corporation of America, LabCorp).